The following is an entry in ClinVar:

NM_182961.4(SYNE1):c.5170T>C (p.Phe1724Leu)

Gene: SYNE1 (spectrin repeat containing nuclear envelope protein 1; minus strand). Cytogenetic location: 6q25.2.
Variant type: single nucleotide variant.
Coding change: c.5170T>C on transcript NM_182961.4 (MANE Select); coding-DNA position 5170, T replaced by C.
Protein change: p.Phe1724Leu; replaces phenylalanine 1724 with leucine.
Molecular consequence: missense variant.
Genome position (GRCh38, 1-based): chr6:152,425,478, A>G on the plus strand (T>C on the coding strand, the complement: SYNE1 is on the minus strand). VCF-style: chr6-152425478-A-G. GRCh37 (hg19) VCF-style: chr6-152746613-A-G.
Other names: c.5191T>C, p.Phe1731Leu (NM_033071.5); short protein forms F1724L, F1731L.
Identifiers: ClinVar variation 290268 (VCV000290268.22), dbSNP rs141996707, ClinGen allele CA4058345.

ClinVar aggregate classification (germline): Uncertain significance. Review status: criteria provided, multiple submitters, no conflicts (2 of 4 stars). 5 submissions from 5 submitters: Uncertain significance (5). Last evaluated 2026-01-19.

Conditions:
Inborn genetic diseases. Identifiers: MedGen C0950123, MeSH D030342.
Autosomal recessive ataxia, Beauce type. Also called: Spinocerebellar ataxia, autosomal recessive 8; ATAXIA, RECESSIVE, OF BEAUCE; SYNE1 Deficiency; SYNE1-Related Autosomal Recessive Cerebellar Ataxia. Identifiers: Orphanet 88644, MedGen C1853116, MONDO:0012549, OMIM 610743.
Emery-Dreifuss muscular dystrophy 4, autosomal dominant (EDMD4). Also called: EMERY-DREIFUSS MUSCULAR DYSTROPHY 4 WITH VARIABLE FEATURES. Identifiers: Orphanet 261, MedGen C2751807, MONDO:0013071, OMIM 612998.

Allele frequency attached by ClinVar (database versions not stated): gnomAD exomes 0.00003 and 0.00005; ExAC 0.00006; ESP Exome Variant Server 0.00023; gnomAD 0.00025 and 0.00028; 1000 Genomes Project 30x 0.00031; TOPMed 0.00035; 1000 Genomes Project 0.00040.
gnomAD v4.1: 85 of 1,614,224 alleles (0.0053%); highest among the groups gnomAD compares: African/African-American, 0.087%; no homozygotes.

Submissions (5):

Labcorp Genetics (formerly Invitae), Labcorp
Classification: Uncertain significance for Emery-Dreifuss muscular dystrophy 4, autosomal dominant; Autosomal recessive ataxia, Beauce type. Last evaluated: 2026-01-19. Review status: criteria provided, single submitter. Criteria: Invitae Variant Classification Sherloc (09022015). Collection method: clinical testing. Allele origin: germline.
Comment: This sequence change replaces phenylalanine, which is neutral and non-polar, with leucine, which is neutral and non-polar, at codon 1731 of the SYNE1 protein (p.Phe1731Leu). This variant is present in population databases (rs141996707, gnomAD 0.08%). This variant has not been reported in the literature in individuals affected with SYNE1-related conditions. ClinVar contains an entry for this variant (Variation ID: 290268). An algorithm developed to predict the effect of missense changes on protein structure and function (PolyPhen-2) suggests that this variant is likely to be tolerated. In summary, the available evidence is currently insufficient to determine the role of this variant in disease. Therefore, it has been classified as a Variant of Uncertain Significance.

Ambry Genetics
Classification: Uncertain significance for Inborn genetic diseases. Last evaluated: 2021-07-14. Review status: criteria provided, single submitter. Criteria: Ambry Variant Classification Scheme 2023. Collection method: clinical testing. Allele origin: germline.

Athena Diagnostics
Classification: Uncertain significance. Last evaluated: 2021-03-19. Review status: criteria provided, single submitter. Criteria: Athena Diagnostics Criteria. Collection method: clinical testing. Allele origin: unknown.

Revvity Omics, Revvity
Classification: Uncertain significance. Last evaluated: 2019-03-22. Review status: criteria provided, single submitter. Criteria: ACMG Guidelines, 2015. Collection method: clinical testing. Allele origin: germline.

Eurofins Ntd Llc (ga)
Classification: Uncertain significance. Last evaluated: 2018-04-13. Review status: criteria provided, single submitter. Criteria: EGL ClinVar v180209 classification definitions. Collection method: clinical testing. Allele origin: germline. Observed: 2 variant alleles, 2 heterozygotes.